The following is an entry in ClinVar:

NM_001080508.3(TBX18):c.256G>A (p.Ala86Thr)

Gene: TBX18 (T-box transcription factor 18; minus strand). Cytogenetic location: 6q14.3.
Variant type: single nucleotide variant.
Coding change: c.256G>A on transcript NM_001080508.3 (MANE Select); coding-DNA position 256, G replaced by A.
Protein change: p.Ala86Thr; replaces alanine 86 with threonine.
Molecular consequence: missense variant.
Genome position (GRCh38, 1-based): chr6:84,763,926, C>T on the plus strand (G>A on the coding strand, the complement: TBX18 is on the minus strand). VCF-style: chr6-84763926-C-T. GRCh37 (hg19) VCF-style: chr6-85473644-C-T.
Other names: short protein forms A86T.
Identifiers: ClinVar variation 4741233 (VCV004741233.1).

ClinVar aggregate classification (germline): Uncertain significance (1 of 4 stars; one submission).

gnomAD v4.1: 33 of 1,571,058 alleles (0.0021%); highest among the groups gnomAD compares: Non-Finnish European, 0.0027%; no homozygotes.

Submission:

Labcorp Genetics (formerly Invitae), Labcorp
Classification: Uncertain significance. Last evaluated: 2025-10-18. Review status: criteria provided, single submitter. Criteria: Invitae Variant Classification Sherloc (09022015). Collection method: clinical testing. Allele origin: germline.
Comment: This sequence change replaces alanine, which is neutral and non-polar, with threonine, which is neutral and polar, at codon 86 of the TBX18 protein (p.Ala86Thr). The frequency data for this variant in the population databases is considered unreliable, as metrics indicate poor data quality at this position in the gnomAD database. This variant has not been reported in the literature in individuals affected with TBX18-related conditions. An algorithm developed to predict the effect of missense changes on protein structure and function outputs the following: PolyPhen-2: "Benign". The threonine amino acid residue is found in multiple mammalian species, which suggests that this missense change does not adversely affect protein function. In summary, the available evidence is currently insufficient to determine the role of this variant in disease. Therefore, it has been classified as a Variant of Uncertain Significance.